The following is an entry in ClinVar:

NM_020822.3(KCNT1):c.1620-15_1620-5dup

Gene: KCNT1 (potassium sodium-activated channel subfamily T member 1; plus strand). Cytogenetic location: 9q34.3.
Variant type: Duplication.
Coding change: c.1620-15_1620-5dup on transcript NM_020822.3 (MANE Select); 15 bases into the intron before coding-DNA position 1620 through 5 bases into the intron before coding-DNA position 1620, 11 bases duplicated (CGCCCTGGCCC).
Molecular consequence: intron variant.
Genome position (GRCh38, 1-based): chr9:135,770,283-135,770,293, CGCCCTGGCCC duplicated; duplicating any 11 consecutive bases within chr9:135,770,274-135,770,293 gives the same sequence; the c. name uses the placement nearest the transcript's 3' end. VCF-style (leftmost placement, unchanged base first): chr9-135770273-C-CCCCTGGCCCCG. GRCh37 (hg19) VCF-style: chr9-138662119-C-CCCCTGGCCCCG.
Other names: c.1485-15_1485-5dup (NM_001272003.2); c.1620-15_1620-5dupCGCCCTGGCCC (NM_020822.2).
Identifiers: ClinVar variation 194783 (VCV000194783.7), dbSNP rs761464076, ClinGen allele CA240954.

ClinVar aggregate classification (germline): Conflicting classifications of pathogenicity. Review status: criteria provided, conflicting classifications (1 of 4 stars). 2 submissions from 2 submitters: Uncertain significance (1); Likely benign (1). Last evaluated 2023-06-09.

Submissions (2):

GeneDx
Classification: Likely benign. Last evaluated: 2023-06-09. Review status: criteria provided, single submitter. Criteria: GeneDx Variant Classification Process June 2021. Collection method: clinical testing. Allele origin: germline. Affected: yes.
Comment: See Variant Classification Assertion Criteria.

Eurofins Ntd Llc (ga)
Classification: Uncertain significance. Last evaluated: 2014-09-04. Review status: criteria provided, single submitter. Criteria: EGL Classification Definitions. Collection method: clinical testing. Allele origin: germline. Observed: 1 variant allele, 1 heterozygote.